The following is an entry in ClinVar:

NM_018847.4(KLHL9):c.1517C>T (p.Thr506Ile)

Gene: KLHL9 (kelch like family member 9; minus strand). Cytogenetic location: 9p21.3.
Variant type: single nucleotide variant.
Coding change: c.1517C>T on transcript NM_018847.4 (MANE Select); coding-DNA position 1517, C replaced by T.
Protein change: p.Thr506Ile; replaces threonine 506 with isoleucine.
Molecular consequence: missense variant.
Genome position (GRCh38, 1-based): chr9:21,333,343, G>A on the plus strand (C>T on the coding strand, the complement: KLHL9 is on the minus strand). VCF-style: chr9-21333343-G-A. GRCh37 (hg19) VCF-style: chr9-21333342-G-A.
Other names: short protein forms T506I.
Identifiers: ClinVar variation 3535321 (VCV003535321.3).

ClinVar aggregate classification (germline): Uncertain significance. Review status: criteria provided, multiple submitters, no conflicts (2 of 4 stars). 2 submissions from 2 submitters: Uncertain significance (2). Last evaluated 2024-11-19.

Submissions (2):

Ambry Genetics
Classification: Uncertain significance. Last evaluated: 2024-11-19. Review status: criteria provided, single submitter. Criteria: Ambry Variant Classification Scheme 2023. Collection method: clinical testing. Allele origin: germline.

Labcorp Genetics (formerly Invitae), Labcorp
Classification: Uncertain significance. Last evaluated: 2024-04-08. Review status: criteria provided, single submitter. Criteria: Invitae Variant Classification Sherloc (09022015). Collection method: clinical testing. Allele origin: germline.
Comment: This sequence change replaces threonine, which is neutral and polar, with isoleucine, which is neutral and non-polar, at codon 506 of the KLHL9 protein (p.Thr506Ile). This variant is present in population databases (rs143395830, gnomAD 0.003%). This variant has not been reported in the literature in individuals affected with KLHL9-related conditions. An algorithm developed to predict the effect of missense changes on protein structure and function (PolyPhen-2) suggests that this variant is likely to be tolerated. In summary, the available evidence is currently insufficient to determine the role of this variant in disease. Therefore, it has been classified as a Variant of Uncertain Significance.